The following is an entry in ClinVar:

NM_018180.3(DHX32):c.2128C>A (p.Leu710Ile)

Genes: BCCIP (BRCA2 and CDKN1A interacting protein; plus strand), DHX32 (DEAH-box helicase 32 (putative); minus strand). Cytogenetic location: 10q26.2.
Variant type: single nucleotide variant.
Coding change: c.2128C>A on transcript NM_018180.3 (MANE Select); coding-DNA position 2128, C replaced by A.
Protein change: p.Leu710Ile; replaces leucine 710 with isoleucine.
Molecular consequence: missense variant. On other transcripts: intron variant (2).
Genome position (GRCh38, 1-based): chr10:125,836,791, G>T on the plus strand (C>A on the coding strand, the complement: DHX32 is on the minus strand). VCF-style: chr10-125836791-G-T. GRCh37 (hg19) VCF-style: chr10-127525360-G-T.
Other names: c.774+2845G>T (NM_016567.4, NM_078469.3); short protein forms L710I.
Identifiers: ClinVar variation 3712619 (VCV003712619.2).

ClinVar aggregate classification (germline): Uncertain significance (1 of 4 stars; one submission).

gnomAD v4.1: 8 of 1,613,962 alleles (0.0005%); highest among the groups gnomAD compares: African/African-American, 0.008%; no homozygotes.

Submission:

Labcorp Genetics (formerly Invitae), Labcorp
Classification: Uncertain significance. Last evaluated: 2024-07-11. Review status: criteria provided, single submitter. Criteria: Invitae Variant Classification Sherloc (09022015). Collection method: clinical testing. Allele origin: germline.
Comment: This sequence change replaces leucine, which is neutral and non-polar, with isoleucine, which is neutral and non-polar, at codon 710 of the DHX32 protein (p.Leu710Ile). This variant is present in population databases (rs138137798, gnomAD 0.03%). This variant has not been reported in the literature in individuals affected with DHX32-related conditions. An algorithm developed to predict the effect of missense changes on protein structure and function (PolyPhen-2) suggests that this variant is likely to be disruptive. In summary, the available evidence is currently insufficient to determine the role of this variant in disease. Therefore, it has been classified as a Variant of Uncertain Significance.